The following is an entry in ClinVar:

ClinVar aggregate classification (germline): Conflicting classifications of pathogenicity. Review status: criteria provided, conflicting classifications (1 of 4 stars). 5 submissions from 5 submitters: Uncertain significance (3); Likely benign (1). 1 of the submissions does not count toward it. Last evaluated 2024-08-08.

Conditions:
Hereditary breast ovarian cancer syndrome. Also called: Hereditary breast and ovarian cancer syndrome; Hereditary breast and ovarian cancer; Hereditary breast and ovarian cancer syndrome (HBOC); Breast and ovarian cancer; Hereditary breast and/or ovarian cancer syndrome; BRCA1- and BRCA2-Associated Hereditary Breast and Ovarian Cancer. Identifiers: Orphanet 145, MedGen C0677776, MeSH D061325, MONDO:0003582. Disease mechanism: loss of function.
Breast-ovarian cancer, familial, susceptibility to, 2 (BROVCA2). Also called: BRCA2 Hereditary Breast and Ovarian Cancer. Identifiers: Orphanet 145, MedGen C2675520, MONDO:0012933, OMIM 612555. Disease mechanism: loss of function.
Hereditary cancer-predisposing syndrome. Also called: Neoplastic Syndromes, Hereditary; Tumor predisposition; Hereditary Cancer Syndrome; Hereditary neoplastic syndrome. Identifiers: Orphanet 140162, MedGen C0027672, MeSH D009386, MONDO:0015356.

Allele frequency attached by ClinVar (database versions not stated): gnomAD exomes below 0.00001.
gnomAD v4.1: 1 of 1,614,084 alleles (0.000062%); highest among the groups gnomAD compares: Admixed American, 0.0017%; no homozygotes.

Submissions (5):

Labcorp Genetics (formerly Invitae), Labcorp
Classification: Uncertain significance for Hereditary breast ovarian cancer syndrome. Last evaluated: 2024-08-08. Review status: criteria provided, single submitter. Criteria: Invitae Variant Classification Sherloc (09022015). Collection method: clinical testing. Allele origin: germline.
Comment: This sequence change replaces tryptophan, which is neutral and slightly polar, with glycine, which is neutral and non-polar, at codon 395 of the BRCA2 protein (p.Trp395Gly). This variant is present in population databases (rs80358412, gnomAD 0.003%). This missense change has been observed in individual(s) with bilateral breast cancer and colon cancer (PMID: 15876480). ClinVar contains an entry for this variant (Variation ID: 51078). Advanced modeling of protein sequence and biophysical properties (such as structural, functional, and spatial information, amino acid conservation, physicochemical variation, residue mobility, and thermodynamic stability) performed at Invitae indicates that this missense variant is not expected to disrupt BRCA2 protein function with a negative predictive value of 95%. In summary, the available evidence is currently insufficient to determine the role of this variant in disease. Therefore, it has been classified as a Variant of Uncertain Significance.

Color Diagnostics, LLC DBA Color Health
Classification: Uncertain significance for Hereditary cancer-predisposing syndrome. Last evaluated: 2024-05-13. Review status: criteria provided, single submitter. Criteria: ACMG Guidelines, 2015. Collection method: clinical testing. Allele origin: germline.
Comment: This missense variant replaces tryptophan with glycine at codon 395 of the BRCA2 protein. Computational prediction suggests that this variant may not impact protein structure and function. To our knowledge, functional studies have not been reported for this variant. This variant has been reported in an individual affected with breast and colon cancer (PMID: 12955716, 15876480) and an individual with personal or family history of breast and/or ovarian cancer (PMID: 16030099). This variant has been identified in 1/250206 chromosomes in the general population by the Genome Aggregation Database (gnomAD). The available evidence is insufficient to determine the role of this variant in disease conclusively. Therefore, this variant is classified as a Variant of Uncertain Significance.

University of Washington Department of Laboratory Medicine, University of Washington
Classification: Likely benign for Hereditary cancer-predisposing syndrome. Last evaluated: 2023-03-23. Review status: criteria provided, single submitter. Criteria: Dines et al. (Genet Med. 2020). Collection method: curation. Allele origin: germline.
Comment: Missense variant in a coldspot region where missense variants are very unlikely to be pathogenic (PMID:31911673).

BRCA2 exon 10 coldspot. Reclassification based on statistical prior probability.

Ambry Genetics
Classification: Uncertain significance for Hereditary cancer-predisposing syndrome. Last evaluated: 2018-06-18. Review status: criteria provided, single submitter. Criteria: Ambry Variant Classification Scheme 2023. Collection method: clinical testing. Allele origin: germline.
Comment: The p.W395G variant (also known as c.1183T>G), located in coding exon 9 of the BRCA2 gene, results from a T to G substitution at nucleotide position 1183. The tryptophan at codon 395 is replaced by glycine, an amino acid with highly dissimilar properties. This amino acid position is not well conserved in available vertebrate species. In addition, the in silico prediction for this alteration is inconclusive. Since supporting evidence is limited at this time, the clinical significance of this alteration remains unclear.

Breast Cancer Information Core (BIC) (BRCA2)
Classification: Uncertain significance for Breast-ovarian cancer, familial 2. Last evaluated: 2004-02-20. Review status: no assertion criteria provided. Collection method: clinical testing. Allele origin: germline. Affected: yes. Observed: 2 variant alleles. Not counted in ClinVar's aggregate classification.

Literature cited by the submitters: PubMed 15876480 (cited by Labcorp Genetics (formerly Invitae), Labcorp and Color Diagnostics, LLC DBA Color Health); PubMed 12955716 (cited by Color Diagnostics, LLC DBA Color Health); PubMed 16030099 (cited by Color Diagnostics, LLC DBA Color Health).

NM_000059.4(BRCA2):c.1183T>G (p.Trp395Gly)

Gene: BRCA2 (BRCA2 DNA repair associated; plus strand). Cytogenetic location: 13q13.1.
Variant type: single nucleotide variant.
Coding change: c.1183T>G on transcript NM_000059.4 (MANE Select); coding-DNA position 1183, T replaced by G.
Protein change: p.Trp395Gly; replaces tryptophan 395 with glycine.
Molecular consequence: missense variant.
Genome position (GRCh38, 1-based): chr13:32,332,661, T>G. VCF-style: chr13-32332661-T-G. GRCh37 (hg19) VCF-style: chr13-32906798-T-G.
Other names: short protein forms W395G.
Identifiers: ClinVar variation 51078 (VCV000051078.17), dbSNP rs80358412, ClinGen allele CA011077.